The following is an entry in ClinVar:

ClinVar aggregate classification (germline): Conflicting classifications of pathogenicity. Review status: criteria provided, conflicting classifications (1 of 4 stars). 6 submissions from 6 submitters: Uncertain significance (5); Likely benign (1). Last evaluated 2025-10-08.

Conditions:
Hereditary cancer-predisposing syndrome. Also called: Hereditary Cancer Syndrome; Neoplastic Syndromes, Hereditary; Tumor predisposition; Hereditary neoplastic syndrome. Identifiers: Orphanet 140162, MedGen C0027672, MeSH D009386, MONDO:0015356.
Breast-ovarian cancer, familial, susceptibility to, 3. Also called: RAD51C-Related Breast/Ovarian Cancer. Identifiers: Orphanet 145, MedGen C3150659, MONDO:0013253, OMIM 613399.
Fanconi anemia complementation group O. Also called: RAD51C-Related Fanconi Anemia. Identifiers: Orphanet 84, MedGen C3150653, MONDO:0013248, OMIM 613390.

Allele frequency attached by ClinVar (database versions not stated): gnomAD exomes 0.00001.
gnomAD v4.1: 5 of 1,613,528 alleles (0.00031%); highest among the groups gnomAD compares: Middle Eastern, 0.017%; 1 homozygote.

Submissions (6):

Ambry Genetics
Classification: Likely benign for Hereditary cancer-predisposing syndrome. Last evaluated: 2025-10-08. Review status: criteria provided, single submitter. Criteria: Ambry Variant Classification Scheme 2023. Collection method: clinical testing. Allele origin: germline.

Labcorp Genetics (formerly Invitae), Labcorp
Classification: Uncertain significance for Fanconi anemia complementation group O. Last evaluated: 2025-10-07. Review status: criteria provided, single submitter. Criteria: Invitae Variant Classification Sherloc (09022015). Collection method: clinical testing. Allele origin: germline.
Comment: This sequence change replaces serine, which is neutral and polar, with cysteine, which is neutral and slightly polar, at codon 53 of the RAD51C protein (p.Ser53Cys). This variant is not present in population databases (gnomAD no frequency). This variant has not been reported in the literature in individuals affected with RAD51C-related conditions. ClinVar contains an entry for this variant (Variation ID: 231616). Invitae Evidence Modeling of protein sequence and biophysical properties (such as structural, functional, and spatial information, amino acid conservation, physicochemical variation, residue mobility, and thermodynamic stability) indicates that this missense variant is expected to disrupt RAD51C protein function with a positive predictive value of 80%. In summary, the available evidence is currently insufficient to determine the role of this variant in disease. Therefore, it has been classified as a Variant of Uncertain Significance.

GeneDx
Classification: Uncertain significance. Last evaluated: 2024-06-05. Review status: criteria provided, single submitter. Criteria: GeneDx Variant Classification Process June 2021. Collection method: clinical testing. Allele origin: germline. Affected: yes.
Comment: Not observed at significant frequency in large population cohorts (gnomAD); In silico analysis supports that this missense variant has a deleterious effect on protein structure/function; Identified in individual(s) with breast cancer (PMID: 29522266); Published functional studies demonstrate no impact on homology-directed repair activity (PMID: 37253112); This variant is associated with the following publications: (PMID: 29522266, 37253112)

Baylor Genetics
Classification: Uncertain significance for Breast-ovarian cancer, familial, susceptibility to, 3. Last evaluated: 2023-09-07. Review status: criteria provided, single submitter. Criteria: ACMG Guidelines, 2015. Collection method: clinical testing. Allele origin: unknown.

Fulgent Genetics
Classification: Uncertain significance for Fanconi anemia complementation group O; Breast-ovarian cancer, familial, susceptibility to, 3. Last evaluated: 2021-11-14. Review status: criteria provided, single submitter. Criteria: ACMG Guidelines, 2015. Collection method: clinical testing. Allele origin: unknown.

Color Diagnostics, LLC DBA Color Health
Classification: Uncertain significance for Hereditary cancer-predisposing syndrome. Last evaluated: 2019-03-29. Review status: criteria provided, single submitter. Criteria: ACMG Guidelines, 2015. Collection method: clinical testing. Allele origin: germline.

Literature cited by the submitters: PubMed 37253112 (cited by Ambry Genetics).

NM_058216.3(RAD51C):c.158C>G (p.Ser53Cys)

Gene: RAD51C (RAD51 paralog C; plus strand). Cytogenetic location: 17q22.
Variant type: single nucleotide variant.
Coding change: c.158C>G on transcript NM_058216.3 (MANE Select); coding-DNA position 158, C replaced by G.
Protein change: p.Ser53Cys; replaces serine 53 with cysteine.
Molecular consequence: missense variant. On other transcripts: non-coding transcript variant (2).
Genome position (GRCh38, 1-based): chr17:58,694,943, C>G. VCF-style: chr17-58694943-C-G. GRCh37 (hg19) VCF-style: chr17-56772304-C-G.
Other names: c.158C>G, p.Ser53Cys (NM_002876.4); short protein forms S53C.
Identifiers: ClinVar variation 231616 (VCV000231616.23), dbSNP rs876659265, ClinGen allele CA10580725.